The following is an entry in ClinVar:

ClinVar aggregate classification (germline): Pathogenic (1 of 4 stars; one submission).

Conditions:
Osteochondritis dissecans. Identifiers: Orphanet 251262, Orphanet 2764, MedGen C0029421, MONDO:0017178, HP:0010886.

Submission:

Institute of Human Genetics, University of Goettingen
Classification: Pathogenic for Short stature and advanced bone age, with or without early-onset osteoarthritis and/or osteochondritis dissecans. Last evaluated: 2021-02-22. Review status: criteria provided, single submitter. Criteria: ACMG Guidelines, 2015. Collection method: clinical testing. Allele origin: de novo. Inheritance: Autosomal dominant inheritance. Affected: yes. Observed: 1 variant allele, 1 heterozygote.
Comment: The variant c.4844del (p.(Gly1615Glufs*47)) in exon 12 of the ACAN gene is not found in the gnomAD database and creates a frame shift starting at codon Gly1615. The new reading frame ends in a STOP codon at position 47. ACMG criteria used for classification: PVS1, PM1, PM2, PM6.

NM_001369268.1(ACAN):c.4844del (p.Gly1615fs)

Gene: ACAN (aggrecan; plus strand). Cytogenetic location: 15q26.1.
Variant type: Deletion.
Coding change: c.4844del on transcript NM_001369268.1 (MANE Select); coding-DNA position 4844, one base deleted (G; older notation c.4844delG).
Protein change: p.Gly1615fs; shifts the reading frame from glycine 1615.
Molecular consequence: frameshift variant.
Genome position (GRCh38, 1-based): chr15:88,857,429, G deleted; the last of 2 consecutive G bases (chr15:88,857,428-88,857,429); deleting either gives the same sequence. VCF-style (leftmost placement, unchanged base first): chr15-88857427-AG-A. GRCh37 (hg19) VCF-style: chr15-89400658-AG-A.
Other names: c.4844del, p.Gly1615fs (NM_001135.4, NM_013227.4); short protein forms G1615fs.
Identifiers: ClinVar variation 997448 (VCV000997448.2), dbSNP rs1897080948, ClinGen allele CA2194370181.